The following is an entry in ClinVar:

NM_001754.5(RUNX1):c.588_594del (p.Val197fs)

Genes: RUNX1 (RUNX family transcription factor 1; minus strand), RUNX1-AS1 (RUNX1 antisense RNA 1; plus strand). Cytogenetic location: 21q22.12.
Variant type: Deletion.
Coding change: c.588_594del on transcript NM_001754.5 (MANE Select); coding-DNA positions 588 to 594, 7 bases deleted (AGTGGAT; older notation c.588_594delAGTGGAT).
Protein change: p.Val197fs; shifts the reading frame from valine 197.
Molecular consequence: frameshift variant.
Genome position (GRCh38, 1-based): chr21:34,859,493-34,859,499, ATCCACT deleted on the plus strand (AGTGGAT on the coding strand, the reverse complement: RUNX1 is on the minus strand). VCF-style (leftmost placement, unchanged base first): chr21-34859492-CATCCACT-C. GRCh37 (hg19) VCF-style: chr21-36231789-CATCCACT-C.
Other names: NM_001754.5(RUNX1):c.588_594del; p.Val197fs; c.507_513del, p.Val170fs (NM_001001890.3, NM_001122607.2); short protein forms V170fs, V197fs.
Identifiers: ClinVar variation 3650681 (VCV003650681.3).
Genomic context (GRCh38, chr21:34,859,492, plus strand): 5'-ACCAGCCTGGAGGGTGTACCAGCCCCAAGTGGATGCACTTACTTCGAGGTTCTCGGGGCC[CATCCACT>C]GTGATTTTGATGGCTCTGTGGTAGGTGGCGACTTGCGGTGGGTTTGTGAAGACAGTGATG-3'

ClinVar aggregate classification (germline): Pathogenic. Review status: reviewed by expert panel (3 of 4 stars). 2 submissions from 2 submitters: Pathogenic (1). 1 of the submissions does not count toward it. Last evaluated 2025-05-02.

Conditions:
Hereditary thrombocytopenia and hematologic cancer predisposition syndrome. Identifiers: Orphanet 71290, MedGen CN281654, MONDO:0011071.
Hereditary thrombocytopenia and hematological cancer predisposition syndrome associated with RUNX1. Also called: Familial Platelet Disorder with Propensity to Acute Myelogenous Leukemia; Familial thrombocytopenia with propensity to acute myelogenous leukemia; PLATELET DISORDER, ASPIRIN-LIKE; RUNX1 Familial Platelet Disorder with Associated Myeloid Malignancies. Identifiers: Orphanet 71290, MedGen C1832388, MeSH C563324, MONDO:0100083, OMIM 601399.

Submissions (2):

ClinGen Myeloid Malignancy Variant Curation Expert Panel
Classification: Pathogenic for Hereditary thrombocytopenia and hematologic cancer predisposition syndrome. Last evaluated: 2025-05-02. Review status: reviewed by expert panel. Criteria: ClinGen MyeloMalig ACMG Specifications v2. Collection method: curation. Allele origin: germline. Inheritance: Autosomal dominant inheritance.
Comment: NM_001754.5(RUNX1):c.588_594del (p.Val197fs) is a frameshift variant which is predicted to undergo nonsense-mediated decay in a gene in which loss-of-function is an established mechanism (frameshift (+) c.98–c.779 as per VCEP specifications) (PVS1). This variant is downstream of c.98 (PM5_Supporting) and is completely absent from all population databases with at least 20x coverage for RUNX1 (PM2_Supporting). In summary, this variant meets criteria to be classified as pathogenic. ACMG/AMP criteria applied, as specified by the Myeloid Malignancy Variant Curation Expert Panel for RUNX1: PVS1, PM5_Supporting, PM2_Supporting.

Labcorp Genetics (formerly Invitae), Labcorp
Classification: Pathogenic for Hereditary thrombocytopenia and hematological cancer predisposition syndrome associated with RUNX1. Last evaluated: 2024-04-24. Review status: criteria provided, single submitter. Criteria: Invitae Variant Classification Sherloc (09022015). Collection method: clinical testing. Allele origin: germline. Not counted in ClinVar's aggregate classification.
Comment: This sequence change creates a premature translational stop signal (p.Val197Glyfs*12) in the RUNX1 gene. It is expected to result in an absent or disrupted protein product. Loss-of-function variants in RUNX1 are known to be pathogenic (PMID: 18723428, 24100448). This variant is not present in population databases (gnomAD no frequency). This variant has not been reported in the literature in individuals affected with RUNX1-related conditions. For these reasons, this variant has been classified as Pathogenic.

Literature cited by the submitters: PubMed 18723428 (cited by Labcorp Genetics (formerly Invitae), Labcorp); PubMed 24100448 (cited by Labcorp Genetics (formerly Invitae), Labcorp).